The following is an entry in ClinVar:

ClinVar aggregate classification (germline): Uncertain significance (1 of 4 stars; one submission).

Conditions:
Hereditary cancer-predisposing syndrome. Also called: Neoplastic Syndromes, Hereditary; Tumor predisposition; Hereditary Cancer Syndrome; Hereditary neoplastic syndrome. Identifiers: Orphanet 140162, MedGen C0027672, MeSH D009386, MONDO:0015356.

Submission:

Ambry Genetics
Classification: Uncertain significance for Hereditary cancer-predisposing syndrome. Last evaluated: 2025-10-05. Review status: criteria provided, single submitter. Criteria: Ambry Variant Classification Scheme 2023. Collection method: clinical testing. Allele origin: germline.
Comment: The p.S1664Y variant (also known as c.4991C>A), located in coding exon 15 of the APC gene, results from a C to A substitution at nucleotide position 4991. The serine at codon 1664 is replaced by tyrosine, an amino acid with dissimilar properties. This amino acid position is conserved. In addition, in silico predictors for this gene do not accurately predict pathogenicity. Based on the available evidence, the clinical significance of this variant remains unclear.

NM_000038.6(APC):c.4991C>A (p.Ser1664Tyr)

Gene: APC (APC regulator of Wnt signaling pathway; plus strand). Cytogenetic location: 5q22.2.
Variant type: single nucleotide variant.
Coding change: c.4991C>A on transcript NM_000038.6 (MANE Select); coding-DNA position 4991, C replaced by A.
Protein change: p.Ser1664Tyr; replaces serine 1664 with tyrosine.
Molecular consequence: missense variant. On other transcripts: non-coding transcript variant (2).
Genome position (GRCh38, 1-based): chr5:112,840,585, C>A. VCF-style: chr5-112840585-C-A. GRCh37 (hg19) VCF-style: chr5-112176282-C-A.
Other names: c.4991C>A, p.Ser1664Tyr (NM_001127510.3, NM_001354895.2, NM_001407450.1); c.4937C>A, p.Ser1646Tyr (NM_001127511.3); c.5045C>A, p.Ser1682Tyr (NM_001354896.2, NM_001407447.1, NM_001407448.1 and 1 more transcripts); c.5021C>A, p.Ser1674Tyr (NM_001354897.2); c.4916C>A, p.Ser1639Tyr (NM_001354898.2); c.4907C>A, p.Ser1636Tyr (NM_001354899.2); c.4868C>A, p.Ser1623Tyr (NM_001354900.2); c.4814C>A, p.Ser1605Tyr (NM_001354901.2, NM_001407453.1); and 11 more; short protein forms S1504Y, S1581Y, S1605Y, S1682Y, S1280Y, S1381Y, S1563Y, S1654Y.
Identifiers: ClinVar variation 4580533 (VCV004580533.1).